The following is an entry in ClinVar:

ClinVar aggregate classification (germline): Conflicting classifications of pathogenicity. Review status: criteria provided, conflicting classifications (1 of 4 stars). 29 submissions from 28 submitters: Uncertain significance (17); Benign (1); Likely benign (5). 6 of the submissions do not count toward it. Last evaluated 2026-09-01.
ClinVar aggregate classification (oncogenicity): Uncertain significance (1 of 4 stars; one submission).

Conditions:
Astrocytoma IDH-mutant. Identifiers: MedGen C5669733.
ATM-related disorder. Also called: ATM-related disorders; ATM-related condition.
Breast and/or ovarian cancer. Identifiers: MedGen CN221562.
Hereditary cancer-predisposing syndrome. Also called: Neoplastic Syndromes, Hereditary; Hereditary Cancer Syndrome; Tumor predisposition; Hereditary neoplastic syndrome. Identifiers: Orphanet 140162, MedGen C0027672, MeSH D009386, MONDO:0015356.
Familial cancer of breast. Also called: BREAST CANCER, FAMILIAL; hereditary breast carcinoma; Hereditary breast cancer. Identifiers: Orphanet 227535, MedGen C0346153, MONDO:0016419, OMIM 114480. Disease mechanism: loss of function.
Ataxia-telangiectasia syndrome (AT). Also called: Ataxia-telangiectasia, complementation group D; AT, COMPLEMENTATION GROUP C; Ataxia-telangiectasia; ATAXIA-TELANGIECTASIA, COMPLEMENTATION GROUP A; ATAXIA-TELANGIECTASIA, FRESNO VARIANT; Ataxia-telangiectasia, complementation group E. Identifiers: Orphanet 100, MedGen C0004135, MONDO:0008840, OMIM 208900.
Papillary thyroid carcinoma. Also called: NONMEDULLARY THYROID CARCINOMA, PAPILLARY; Thyroid gland papillary carcinoma; Thyroid carcinoma, papillary, somatic. Identifiers: Orphanet 146, MedGen C0238463, MeSH D000077273, MONDO:0005075, HP:0002895.
Carcinoma of colon (CRC). Also called: Colonic carcinoma; Colon carcinoma. Identifiers: MedGen C0699790, MONDO:0002032.
Neoplasm. Also called: Neoplasms; Neoplasm (disease); tumor. Identifiers: MedGen C0027651, MeSH D009369, MONDO:0005070, HP:0002664.

Allele frequency attached by ClinVar (database versions not stated): gnomAD 0.00012 and 0.00013; TOPMed 0.00012; ExAC 0.00018; gnomAD exomes 0.00019.
gnomAD v4.1: 306 of 1,613,564 alleles (0.019%); highest among the groups gnomAD compares: Admixed American, 0.055%; no homozygotes.

Submissions 1 to 12 of 30:

CeGaT Center for Human Genetics Tuebingen
Classification: Uncertain significance. Last evaluated: 2026-09-01. Review status: criteria provided, single submitter. Criteria: CeGaT Center For Human Genetics Tuebingen Variant Classification Criteria Version 2. Collection method: clinical testing. Allele origin: germline. Affected: yes. Observed: 5 variant alleles.
Comment: ATM: PP3, BS1:Supporting

Women's Health and Genetics/Laboratory Corporation of America, LabCorp
Classification: Likely benign. Last evaluated: 2026-03-20. Review status: criteria provided, single submitter. Criteria: LabCorp Variant Classification Summary - May 2015. Collection method: clinical testing. Allele origin: germline.
Comment: Variant summary: ATM c.8560C>T (p.Arg2854Cys) results in a non-conservative amino acid change in encoded protein sequence. Algorithms developed to predict the effect of missense changes on protein structure and function all suggest that this variant is likely to be disruptive. The variant allele was found at a frequency of 0.0002 in 255074 control chromosomes, predominantly at a frequency of 0.00046 within the Latino subpopulation in the gnomAD database. The observed variant frequency within Latino control individuals in the gnomAD database exceeds the estimated maximal expected allele frequency for disease-causing variants in ATM. c.8560C>T has been observed in individuals affected with breast cancer, colorectal cancer, chronic lymphocytic leukemia, prostate cancer, Lynch syndrome, or melanoma (e.g. LaPaglia_ 2009, Bernstein_2010, Tung_2014, deVoer2016, Yurgelun_2017, Tiao_2017, Paulo_2018, Martin-Morales_2018, Girard_2019, Rizzolo_2019, Tsaousis_2019, Velzquez_2020, Daimasso_2021). These reports do not provide unequivocal conclusions about association of the variant with Breast Cancer or other ATM-related conditions. Co-occurrence with a pathogenic variant has been observed (CHEK2 c.1232G>A , p.W411*; internal data), providing supporting evidence for a benign role. At least one publication reports experimental evidence evaluating an impact on protein function. These results showed no damaging effect of this variant (Hanenberg_2025). The following publications have been ascertained in the context of this evaluation (PMID: 20305132, 37262986, 28717660, 34262154, 30303537, 40105422, 19404735, 30256826, 29659569, 30613976, 28652578, 31159747, 25186627, 32522261, 28135145, 26580448, 26901136). ClinVar contains an entry for this variant (Variation ID: 142147). Based on the evidence outlined above, the variant was classified as likely benign.

Labcorp Genetics (formerly Invitae), Labcorp
Classification: Benign for Ataxia-telangiectasia syndrome. Last evaluated: 2026-02-04. Review status: criteria provided, single submitter. Criteria: Invitae Variant Classification Sherloc (09022015). Collection method: clinical testing. Allele origin: germline.

Color Diagnostics, LLC DBA Color Health
Classification: Uncertain significance for Hereditary cancer-predisposing syndrome. Last evaluated: 2025-11-25. Review status: criteria provided, single submitter. Criteria: ACMG Guidelines, 2015. Collection method: clinical testing. Allele origin: germline.
Comment: This missense variant replaces arginine with cysteine at codon 2854 of the ATM protein. Computational prediction suggests that this variant may have deleterious impact on protein structure and function. To our knowledge, functional studies have not been reported for this variant. This variant has been reported in individuals affected with breast cancer, colorectal cancer and prostate cancer (PMID: 19404735, 20305132, 23555315, 26901136, 28135145, 28779002, 29659569, 30256826, 34646395, 33471991, 35264596). This variant has been detected in a breast cancer case-control meta-analysis in 14/60466 cases and 13/53461 unaffected individuals (PMID: 33471991LOVD DB-ID ATM_001516). This variant also has been identified in 306/1613564 chromosomes in the general population by the Genome Aggregation Database (gnomAD). The available evidence is insufficient to determine the role of this variant in disease conclusively. Therefore, this variant is classified as a Variant of Uncertain Significance.

Quest Diagnostics Nichols Institute San Juan Capistrano
Classification: Uncertain significance. Last evaluated: 2025-11-06. Review status: criteria provided, single submitter. Criteria: Quest Diagnostics criteria. Collection method: clinical testing. Allele origin: unknown.

Mayo Clinic Laboratories, Mayo Clinic
Classification: Uncertain significance. Last evaluated: 2025-08-28. Review status: criteria provided, single submitter. Criteria: ACMG Guidelines, 2015. Collection method: clinical testing. Allele origin: germline. Observed: 2 variant alleles.
Comment: BS3, PP3

Mendelics
Classification: Likely benign for Ataxia-telangiectasia syndrome. Last evaluated: 2025-06-23. Review status: criteria provided, single submitter. Criteria: ACMG Guidelines, 2015. Collection method: clinical testing. Allele origin: unknown.
Comment: This variant is considered likely benign or benign based on one or more of the following: it is predicted to be benign by multiple in silico algorithms, and/or has population frequency not consistent with disease, and/or has normal protein function, and/or has lack of segregation with disease, and/or has been detected in co-occurrence with known pathogenic variant, and/or has lack of disease association in case-control studies, and/or is located in a region inconsistent with a known cause of pathogenicity.

GeneDx
Classification: Uncertain significance. Last evaluated: 2025-04-30. Review status: criteria provided, single submitter. Criteria: GeneDx Variant Classification Process June 2021. Collection method: clinical testing. Allele origin: germline. Affected: yes.
Comment: Observed in individuals with a personal or family history of melanoma, breast, ovarian, colorectal, pancreatic, or other cancers (PMID: 19404735, 25186627, 26901136, 28779002, 28135145, 30256826, 30613976, 32113160, 31742824, 34262154, 34646395, 34326862, 36243179, 35534704, 37262986, 39251783); Published functional studies demonstrate no damaging effect: KAP1 phosphorylation similar to wild type (PMID: 40105422); In silico analysis supports that this missense variant has a deleterious effect on protein structure/function; This variant is associated with the following publications: (PMID: 19404735, 25801821, 26901136, 28717660, 27043212, 28611190, 28135145, 28495793, 28779002, 29659569, 25186627, 30256826, 31159747, 30303537, 32113160, 31590326, 33054100, 33471991, 32522261, 26580448, 30613976, 28652578, 34646395, 31742824, 20305132, 34262154, 35534704, 36099812, 37436117, 23555315, 36243179, 35264596, 34326862, 23532176, 39590369, 37262986, 38633426, 39251783, 40105422)

Center for Genomic Medicine, Rigshospitalet, Copenhagen University Hospital
Classification: Uncertain significance for Neoplasm. Last evaluated: 2025-03-04. Review status: criteria provided, single submitter. Criteria: ClinGen/CGC/VICC Guidelines for Oncogenicity, 2022. Collection method: clinical testing. Allele origin: somatic. Affected: yes.

PreventionGenetics, part of Exact Sciences
Classification: Likely benign for ATM-related condition. Last evaluated: 2024-12-30. Review status: criteria provided, single submitter. Criteria: ACMG Guidelines, 2015. Collection method: clinical testing. Allele origin: germline.
Comment: This variant is classified as likely benign based on ACMG/AMP sequence variant interpretation guidelines (Richards et al. 2015 PMID: 25741868, with internal and published modifications).

Blueprint Genetics
Classification: Uncertain significance. Last evaluated: 2024-10-23. Review status: criteria provided, single submitter. Criteria: ACMG Guidelines, 2015. Collection method: clinical testing. Allele origin: germline.

Myriad Genetics, Inc.
Classification: Likely benign for Familial cancer of breast. Last evaluated: 2024-06-20. Review status: criteria provided, single submitter. Criteria: Myriad Autosomal Dominant, Autosomal Recessive and X-Linked Classification Criteria (2023). Collection method: clinical testing. Allele origin: unknown.
Comment: This variant is considered likely benign. This variant is strongly associated with less severe personal and family histories of cancer, typical for individuals without pathogenic variants in this gene [PMID: 25085752].

NM_000051.4(ATM):c.8560C>T (p.Arg2854Cys)

Genes: C11orf65 (chromosome 11 open reading frame 65; minus strand), ATM (ATM serine/threonine kinase; plus strand). Cytogenetic location: 11q22.3.
Variant type: single nucleotide variant.
Coding change: c.8560C>T on transcript NM_000051.4 (MANE Select); coding-DNA position 8560, C replaced by T.
Protein change: p.Arg2854Cys; replaces arginine 2854 with cysteine.
Molecular consequence: missense variant. On other transcripts: intron variant (2).
Genome position (GRCh38, 1-based): chr11:108,345,884, C>T. VCF-style: chr11-108345884-C-T. GRCh37 (hg19) VCF-style: chr11-108216611-C-T.
Other names: p.R2854C:CGC>TGC; p.Arg2854Cys; c.8560C>T, p.Arg2854Cys (NM_001351834.2); c.641-36813G>A (NM_001330368.2); c.695-10592G>A (NM_001351110.2); short protein forms R2854C.
Identifiers: ClinVar variation 142147 (VCV000142147.100), dbSNP rs201958469, ClinGen allele CA246481.
Genomic context (GRCh38, chr11:108,345,884, plus strand): 5'-TTCTGCATGGAAAAATTCTTGGATCCAGCTATTTGGTTTGAGAAGCGATTGGCTTATACG[C>T]GCAGTGTAGCTACTTCTTCTATTGGTAATCTTCTTGTACATATAGTAGATTGAGCACTTT-3'
Protein context (NP_000042.3, residues 2844-2864): IWFEKRLAYT[Arg2854Cys]SVATSSIVGY